The following is an entry in ClinVar:

NM_000059.4(BRCA2):c.7762_7766dup (p.Ser2590fs)

Gene: BRCA2 (BRCA2 DNA repair associated; plus strand). Cytogenetic location: 13q13.1.
Variant type: Duplication.
Coding change: c.7762_7766dup on transcript NM_000059.4 (MANE Select); coding-DNA positions 7762 to 7766, 5 bases duplicated (ATACC; older notation c.7762_7766dupATACC).
Protein change: p.Ser2590fs; shifts the reading frame from serine 2590.
Molecular consequence: frameshift variant.
Genome position (GRCh38, 1-based): chr13:32,357,886-32,357,890, ATACC duplicated; duplicating any 5 consecutive bases within chr13:32,357,885-32,357,890 gives the same sequence; the c. name uses the placement nearest the transcript's 3' end. VCF-style (leftmost placement, unchanged base first): chr13-32357884-T-TCATAC. GRCh37 (hg19) VCF-style: chr13-32932021-T-TCATAC.
Other names: 7994ins5; short protein forms S2590fs.
Identifiers: ClinVar variation 267034 (VCV000267034.7), dbSNP rs886040728, ClinGen allele CA10589449.

ClinVar aggregate classification (germline): Pathogenic. Review status: reviewed by expert panel (3 of 4 stars). 2 submissions from 2 submitters: Pathogenic (1). 1 of the submissions does not count toward it. Last evaluated 2016-10-18.

Conditions:
Breast-ovarian cancer, familial, susceptibility to, 2 (BROVCA2). Also called: BRCA2 Hereditary Breast and Ovarian Cancer. Identifiers: Orphanet 145, MedGen C2675520, MONDO:0012933, OMIM 612555. Disease mechanism: loss of function.

Submissions (2):

Evidence-based Network for the Interpretation of Germline Mutant Alleles (ENIGMA)
Classification: Pathogenic for Breast-ovarian cancer, familial, susceptibility to, 2. Last evaluated: 2016-10-18. Review status: reviewed by expert panel. Criteria: ENIGMA BRCA1/2 Classification Criteria (2015). Collection method: curation. Allele origin: germline.
Comment: Variant allele predicted to encode a truncated non-functional protein.

Consortium of Investigators of Modifiers of BRCA1/2 (CIMBA), c/o University of Cambridge
Classification: Pathogenic for Breast-ovarian cancer, familial, susceptibility to, 2. Last evaluated: 2015-10-02. Review status: criteria provided, single submitter. Criteria: CIMBA Mutation Classification guidelines May 2016. Collection method: clinical testing. Allele origin: germline. Not counted in ClinVar's aggregate classification.